The following is an entry in ClinVar:

NM_000530.8(MPZ):c.584+3A>T

Gene: MPZ (myelin protein zero; minus strand). Cytogenetic location: 1q23.3.
Variant type: single nucleotide variant.
Coding change: c.584+3A>T on transcript NM_000530.8 (MANE Select); 3 bases into the intron after coding-DNA position 584, A replaced by T.
Molecular consequence: intron variant.
Genome position (GRCh38, 1-based): chr1:161,306,326, T>A on the plus strand (A>T on the coding strand, the complement: MPZ is on the minus strand). VCF-style: chr1-161306326-T-A. GRCh37 (hg19) VCF-style: chr1-161276116-T-A.
Other names: c.584+3A>T (NM_001315491.2).
Identifiers: ClinVar variation 969669 (VCV000969669.8), dbSNP rs1670241598, ClinGen allele CA1139656403.
Genomic context (GRCh38, chr1:161,306,326, plus strand): 5'-TAGTCTCCGCCCAGATGGGGGATAGTGGGGAGAGGGGGAGGGGAGCTAGGCTCCGCCCCT[T>A]ACCTGAGCCTCCTCTGCAGGGCCGCCTGCCTGCGTAGCCAGCAGTACCGAACCACGTAGA-3'

ClinVar aggregate classification (germline): Uncertain significance (1 of 4 stars; one submission).

Conditions:
Charcot-Marie-Tooth disease, type I (CMT1). Also called: Charcot-Marie-Tooth disease type 1; Charcot-Marie-Tooth, Type 1. Identifiers: Orphanet 65753, MedGen C0751036, MONDO:0019011.

Submission:

Labcorp Genetics (formerly Invitae), Labcorp
Classification: Uncertain significance for Charcot-Marie-Tooth disease, type I. Last evaluated: 2022-07-26. Review status: criteria provided, single submitter. Criteria: Invitae Variant Classification Sherloc (09022015). Collection method: clinical testing. Allele origin: germline.
Comment: This variant has not been reported in the literature in individuals affected with MPZ-related conditions. This variant is not present in population databases (gnomAD no frequency). This sequence change falls in intron 4 of the MPZ gene. It does not directly change the encoded amino acid sequence of the MPZ protein. It affects a nucleotide within the consensus splice site. ClinVar contains an entry for this variant (Variation ID: 969669). In summary, the available evidence is currently insufficient to determine the role of this variant in disease. Therefore, it has been classified as a Variant of Uncertain Significance. Variants that disrupt the consensus splice site are a relatively common cause of aberrant splicing (PMID: 17576681, 9536098). Algorithms developed to predict the effect of sequence changes on RNA splicing suggest that this variant is not likely to affect RNA splicing.

Literature cited by the submitters: PubMed 17576681; PubMed 9536098.